The following is an entry in ClinVar:

NM_152564.5(VPS13B):c.11917G>A (p.Asp3973Asn)

Gene: VPS13B (vacuolar protein sorting 13 homolog B; plus strand). Cytogenetic location: 8q22.2.
Variant type: single nucleotide variant.
Coding change: c.11917G>A on transcript NM_152564.5 (MANE Select); coding-DNA position 11917, G replaced by A.
Protein change: p.Asp3973Asn; replaces aspartic acid 3973 with asparagine.
Molecular consequence: missense variant.
Genome position (GRCh38, 1-based): chr8:99,875,589, G>A. VCF-style: chr8-99875589-G-A. GRCh37 (hg19) VCF-style: chr8-100887817-G-A.
Other names: c.11992G>A (NM_017890.3); c.11992G>A, p.Asp3998Asn (NM_017890.5); short protein forms D3973N, D3998N.
Identifiers: ClinVar variation 3355985 (VCV003355985.2).

ClinVar aggregate classification (germline): Likely benign. Review status: criteria provided, single submitter (1 of 4 stars). 2 submissions from 2 submitters: Likely benign (1). 1 of the submissions does not count toward it. Last evaluated 2025-12-23.

Conditions:
VPS13B-related disorder. Also called: VPS13B-related condition.
Inborn genetic diseases. Identifiers: MedGen C0950123, MeSH D030342.

gnomAD v4.1: 1 of 1,614,172 alleles (0.000062%); highest among the groups gnomAD compares: Non-Finnish European, 0.000085%; no homozygotes.

Submissions (2):

Ambry Genetics
Classification: Likely benign for Inborn genetic diseases. Last evaluated: 2025-12-23. Review status: criteria provided, single submitter. Criteria: Ambry Variant Classification Scheme 2023. Collection method: clinical testing. Allele origin: germline.

PreventionGenetics, part of Exact Sciences
Classification: Uncertain significance for VPS13B-related condition. Last evaluated: 2024-01-16. Review status: no assertion criteria provided. Collection method: clinical testing. Allele origin: germline. Not counted in ClinVar's aggregate classification.
Comment: The VPS13B c.11917G>A variant is predicted to result in the amino acid substitution p.Asp3973Asn. To our knowledge, this variant has not been reported in the literature. This variant is reported in 0.00088% of alleles in individuals of European (Non-Finnish) descent in gnomAD. At this time, the clinical significance of this variant is uncertain due to the absence of conclusive functional and genetic evidence.